The following is an entry in ClinVar:

NM_001145809.2(MYH14):c.1049G>A (p.Arg350Gln)

Gene: MYH14 (myosin heavy chain 14; plus strand). Cytogenetic location: 19q13.33.
Variant type: single nucleotide variant.
Coding change: c.1049G>A on transcript NM_001145809.2 (MANE Select); coding-DNA position 1049, G replaced by A.
Protein change: p.Arg350Gln; replaces arginine 350 with glutamine.
Molecular consequence: missense variant.
Genome position (GRCh38, 1-based): chr19:50,232,005, G>A. VCF-style: chr19-50232005-G-A. GRCh37 (hg19) VCF-style: chr19-50735262-G-A.
Other names: c.1049G>A, p.Arg350Gln (NM_001077186.2); c.1025G>A, p.Arg342Gln (NM_024729.4); short protein forms R342Q, R350Q.
Identifiers: ClinVar variation 1033647 (VCV001033647.3), dbSNP rs373908919, ClinGen allele CA9592486.

ClinVar aggregate classification (germline): Uncertain significance. Review status: criteria provided, multiple submitters, no conflicts (2 of 4 stars). 2 submissions from 2 submitters: Uncertain significance (2). Last evaluated 2022-07-30.

Conditions:
Peripheral neuropathy-myopathy-hoarseness-hearing loss syndrome. Identifiers: Orphanet 397744, MedGen C3280556, MONDO:0013711, OMIM 614369.

Allele frequency attached by ClinVar (database versions not stated): gnomAD exomes 0.00005 and 0.00008; ESP Exome Variant Server 0.00008; ExAC 0.00009; gnomAD 0.00010 and 0.00014; TOPMed 0.00011; 1000 Genomes Project 30x 0.00047; 1000 Genomes Project 0.00060.
gnomAD v4.1: 130 of 1,613,788 alleles (0.0081%); highest among the groups gnomAD compares: African/African-American, 0.031%; no homozygotes.

Submissions (2):

Labcorp Genetics (formerly Invitae), Labcorp
Classification: Uncertain significance. Last evaluated: 2022-07-30. Review status: criteria provided, single submitter. Criteria: Invitae Variant Classification Sherloc (09022015). Collection method: clinical testing. Allele origin: germline.
Comment: This sequence change replaces arginine, which is basic and polar, with glutamine, which is neutral and polar, at codon 342 of the MYH14 protein (p.Arg342Gln). This variant is present in population databases (rs373908919, gnomAD 0.04%), and has an allele count higher than expected for a pathogenic variant. This missense change has been observed in individual(s) with deafness (PMID: 27911912). This variant is also known as c.1049G>A p.R350Q. ClinVar contains an entry for this variant (Variation ID: 1033647). Algorithms developed to predict the effect of missense changes on protein structure and function are either unavailable or do not agree on the potential impact of this missense change (SIFT: "Deleterious"; PolyPhen-2: "Benign"; Align-GVGD: "Class C35"). In summary, the available evidence is currently insufficient to determine the role of this variant in disease. Therefore, it has been classified as a Variant of Uncertain Significance.

Baylor Genetics
Classification: Uncertain significance for Peripheral neuropathy-myopathy-hoarseness-hearing loss syndrome. Last evaluated: 2018-04-11. Review status: criteria provided, single submitter. Criteria: ACMG Guidelines, 2015. Collection method: clinical testing. Allele origin: maternal. Affected: yes.
Comment: This variant was determined to be of uncertain significance according to ACMG Guidelines, 2015 [PMID:25741868].

Literature cited by the submitters: PubMed 27911912 (cited by Labcorp Genetics (formerly Invitae), Labcorp).